The following is an entry in ClinVar:

ClinVar aggregate classification (germline): Pathogenic (1 of 4 stars; one submission).

Conditions:
GTP cyclohydrolase I deficiency. Identifiers: MedGen C0268467, MONDO:0100184.
Dystonia 5 (DRD). Also called: Dystonia, DOPA-responsive, with or without hyperphenylalaninemia; DYT-GCH1; GTP Cyclohydrolase 1-Deficient Dopa-Responsive Dystonia; DYSTONIA, PROGRESSIVE, WITH DIURNAL VARIATION; DYSTONIA-PARKINSONISM WITH DIURNAL FLUCTUATION. Identifiers: Orphanet 98808, MedGen C1851920, MONDO:0007495, OMIM 128230.

Submission:

Labcorp Genetics (formerly Invitae), Labcorp
Classification: Pathogenic for GTP cyclohydrolase I deficiency; Dystonia 5, Dopa-responsive type. Last evaluated: 2019-08-02. Review status: criteria provided, single submitter. Criteria: Invitae Variant Classification Sherloc (09022015). Collection method: clinical testing. Allele origin: germline.
Comment: This variant is an out-of-frame deletion of the genomic region encompassing exon 2 of the GCH1 gene. This is expected to create a premature translational stop signal and result in an absent or disrupted protein product. This variant has been observed in several individuals affected with dystonia (PMID: 20108370, Invitae). Loss-of-function variants in GCH1 are known to be pathogenic (PMID: 19491146). For these reasons, this variant has been classified as Pathogenic.

Literature cited by the submitters: PubMed 20108370.

NC_000014.9:g.(?_54865317)_(54865446_?)del

Gene: GCH1 (GTP cyclohydrolase 1; minus strand). Cytogenetic location: 14q22.2.
Variant type: Deletion.
Identifiers: ClinVar variation 652965 (VCV000652965.2).